The following is an entry in ClinVar:

NM_005159.5(ACTC1):c.130-17A>C

Genes: ACTC1 (actin alpha cardiac muscle 1; minus strand), GJD2-DT (GJD2 divergent transcript; plus strand). Cytogenetic location: 15q14.
Variant type: single nucleotide variant.
Coding change: c.130-17A>C on transcript NM_005159.5 (MANE Select); 17 bases into the intron before coding-DNA position 130, A replaced by C.
Molecular consequence: intron variant.
Genome position (GRCh38, 1-based): chr15:34,793,586, T>G on the plus strand (A>C on the coding strand, the complement: ACTC1 is on the minus strand). VCF-style: chr15-34793586-T-G. GRCh37 (hg19) VCF-style: chr15-35085787-T-G.
Other names: c.130-17A>C (LRG_388t1).
Identifiers: ClinVar variation 388185 (VCV000388185.1), dbSNP rs1057523026, ClinGen allele CA16607056.

ClinVar aggregate classification (germline): Likely benign (1 of 4 stars; one submission).

Allele frequency attached by ClinVar (database versions not stated): TOPMed below 0.00001.

Submission:

GeneDx
Classification: Likely benign. Last evaluated: 2016-07-26. Review status: criteria provided, single submitter. Criteria: GeneDx Variant Classification (06012015). Collection method: clinical testing. Allele origin: germline. Affected: yes.
Comment: This variant is considered likely benign or benign based on one or more of the following criteria: it is a conservative change, it occurs at a poorly conserved position in the protein, it is predicted to be benign by multiple in silico algorithms, and/or has population frequency not consistent with disease.